The following is an entry in ClinVar:

NM_173598.6(KSR2):c.551C>T (p.Pro184Leu)

Gene: KSR2 (kinase suppressor of ras 2; minus strand). Cytogenetic location: 12q24.23.
Variant type: single nucleotide variant.
Coding change: c.551C>T on transcript NM_173598.6 (MANE Select); coding-DNA position 551, C replaced by T.
Protein change: p.Pro184Leu; replaces proline 184 with leucine.
Molecular consequence: missense variant.
Genome position (GRCh38, 1-based): chr12:117,761,446, G>A on the plus strand (C>T on the coding strand, the complement: KSR2 is on the minus strand). VCF-style: chr12-117761446-G-A. GRCh37 (hg19) VCF-style: chr12-118199251-G-A.
Other names: short protein forms P184L.
Identifiers: ClinVar variation 2797463 (VCV002797463.3), dbSNP rs1189248092, ClinGen allele CA386939484.
Genomic context (GRCh38, chr12:117,761,446, plus strand): 5'-TTGGACGGGACCCTGGGGCTCTGGGAGAGATGGGTGCGGATCCACGGGGTGGGCTCCGGG[G>A]GGCACACGGGATTGTTCTCCTTCCCCGTCTCTGTCGTGGGCCACTGGATGGTCCAGTCTT-3'
Protein context (NP_775869.4, residues 174-194): ETGKENNPVC[Pro184Leu]PEPTPWIRTH

ClinVar aggregate classification (germline): Uncertain significance (1 of 4 stars; one submission).

Allele frequency attached by ClinVar (database versions not stated): gnomAD exomes below 0.00001.
gnomAD v4.1: 1 of 1,613,040 alleles (0.000062%); highest among the groups gnomAD compares: Admixed American, 0.0017%; no homozygotes.

Submission:

Labcorp Genetics (formerly Invitae), Labcorp
Classification: Uncertain significance. Last evaluated: 2023-05-04. Review status: criteria provided, single submitter. Criteria: Invitae Variant Classification Sherloc (09022015). Collection method: clinical testing. Allele origin: germline.
Comment: This sequence change replaces proline, which is neutral and non-polar, with leucine, which is neutral and non-polar, at codon 155 of the KSR2 protein (p.Pro155Leu). This variant is present in population databases (no rsID available, gnomAD 0.003%). This variant has not been reported in the literature in individuals affected with KSR2-related conditions. An algorithm developed to predict the effect of missense changes on protein structure and function (PolyPhen-2) suggests that this variant is likely to be tolerated. In summary, the available evidence is currently insufficient to determine the role of this variant in disease. Therefore, it has been classified as a Variant of Uncertain Significance.